The following is an entry in ClinVar:

NM_015331.3(NCSTN):c.1036G>A (p.Asp346Asn)

Gene: NCSTN (nicastrin; plus strand). Cytogenetic location: 1q23.2.
Variant type: single nucleotide variant.
Coding change: c.1036G>A on transcript NM_015331.3 (MANE Select); coding-DNA position 1036, G replaced by A.
Protein change: p.Asp346Asn; replaces aspartic acid 346 with asparagine.
Molecular consequence: missense variant.
Genome position (GRCh38, 1-based): chr1:160,352,926, G>A. VCF-style: chr1-160352926-G-A. GRCh37 (hg19) VCF-style: chr1-160322716-G-A.
Other names: c.976G>A, p.Asp326Asn (NM_001290184.2); c.622G>A, p.Asp208Asn (NM_001290186.2); c.1036G>A, p.Asp346Asn (NM_001349729.2); short protein forms D346N, D208N, D326N.
Identifiers: ClinVar variation 2800869 (VCV002800869.3), dbSNP rs1392659937, ClinGen allele CA343280708.

ClinVar aggregate classification (germline): Uncertain significance (1 of 4 stars; one submission).

Allele frequency attached by ClinVar (database versions not stated): gnomAD exomes below 0.00001; gnomAD 0.00001.

Submission:

Labcorp Genetics (formerly Invitae), Labcorp
Classification: Uncertain significance. Last evaluated: 2023-11-10. Review status: criteria provided, single submitter. Criteria: Invitae Variant Classification Sherloc (09022015). Collection method: clinical testing. Allele origin: germline.
Comment: This sequence change replaces aspartic acid, which is acidic and polar, with asparagine, which is neutral and polar, at codon 346 of the NCSTN protein (p.Asp346Asn). The frequency data for this variant in the population databases is considered unreliable, as metrics indicate poor data quality at this position in the gnomAD database. This variant has not been reported in the literature in individuals affected with NCSTN-related conditions. Advanced modeling of protein sequence and biophysical properties (such as structural, functional, and spatial information, amino acid conservation, physicochemical variation, residue mobility, and thermodynamic stability) performed at Invitae indicates that this missense variant is expected to disrupt NCSTN protein function with a positive predictive value of 80%. In summary, the available evidence is currently insufficient to determine the role of this variant in disease. Therefore, it has been classified as a Variant of Uncertain Significance.